The following is an entry in ClinVar:

NM_004380.3(CREBBP):c.7238A>G (p.Asn2413Ser)

Gene: CREBBP (CREB binding lysine acetyltransferase; minus strand). Cytogenetic location: 16p13.3.
Variant type: single nucleotide variant.
Coding change: c.7238A>G on transcript NM_004380.3 (MANE Select); coding-DNA position 7238, A replaced by G.
Protein change: p.Asn2413Ser; replaces asparagine 2413 with serine.
Molecular consequence: missense variant.
Genome position (GRCh38, 1-based): chr16:3,727,809, T>C on the plus strand (A>G on the coding strand, the complement: CREBBP is on the minus strand). VCF-style: chr16-3727809-T-C. GRCh37 (hg19) VCF-style: chr16-3777810-T-C.
Other names: c.7124A>G, p.Asn2375Ser (NM_001079846.1); short protein forms N2375S, N2413S.
Identifiers: ClinVar variation 3347288 (VCV003347288.1).

ClinVar aggregate classification (germline): Uncertain significance (0 of 4 stars; one submission).

Conditions:
CREBBP-related disorder. Also called: CREBBP-related condition; CREBBP-related disorders.

gnomAD v4.1: 1 of 1,613,990 alleles (0.000062%); highest among the groups gnomAD compares: African/African-American, 0.0013%; no homozygotes.

Submission:

PreventionGenetics, part of Exact Sciences
Classification: Uncertain significance for CREBBP-related condition. Last evaluated: 2024-05-22. Review status: no assertion criteria provided. Collection method: clinical testing. Allele origin: germline.
Comment: The CREBBP c.7238A>G variant is predicted to result in the amino acid substitution p.Asn2413Ser. To our knowledge, this variant has not been reported in the literature. This variant is reported in 0.0062% of alleles in individuals of African descent in gnomAD. At this time, the clinical significance of this variant is uncertain due to the absence of conclusive functional and genetic evidence.